The following is an entry in ClinVar:

NM_004369.4(COL6A3):c.1024G>A (p.Val342Met)

Gene: COL6A3 (collagen type VI alpha 3 chain; minus strand). Cytogenetic location: 2q37.3.
Variant type: single nucleotide variant.
Coding change: c.1024G>A on transcript NM_004369.4 (MANE Select); coding-DNA position 1024, G replaced by A.
Protein change: p.Val342Met; replaces valine 342 with methionine.
Molecular consequence: missense variant. On other transcripts: intron variant (2).
Genome position (GRCh38, 1-based): chr2:237,387,870, C>T on the plus strand (G>A on the coding strand, the complement: COL6A3 is on the minus strand). VCF-style: chr2-237387870-C-T. GRCh37 (hg19) VCF-style: chr2-238296513-C-T.
Other names: c.406G>A, p.Val136Met (NM_057165.5, NM_057167.4); c.92-6371G>A (NM_057166.5, NM_057164.5); short protein forms V136M.
Identifiers: ClinVar variation 94901 (VCV000094901.59), dbSNP rs111402193, ClinGen allele CA222585.

ClinVar aggregate classification (germline): Benign/Likely benign. Review status: criteria provided, multiple submitters, no conflicts (2 of 4 stars). 10 submissions from 10 submitters: Benign (2); Likely benign (5). 3 of the submissions do not count toward it. Last evaluated 2026-02-02.

Conditions:
COL6A3-related disorder. Also called: COL6A3-related condition; COL6A3-related disorders.
Collagen 6-related myopathy. Identifiers: MedGen CN117976, MONDO:0100225.
Bethlem myopathy 1A. Also called: MYOPATHY, BENIGN CONGENITAL, WITH CONTRACTURES; Bethlem myopathy 1; Bethlem Muscular Dystrophy. Identifiers: Orphanet 610, MedGen CN029274, MONDO:0024530, OMIM 158810.

Allele frequency attached by ClinVar (database versions not stated): gnomAD 0.00082 and 0.00076; ESP Exome Variant Server 0.00062; TOPMed 0.00108; gnomAD exomes 0.00060 and 0.00077; ExAC 0.00071; 1000 Genomes Project 30x 0.00078; 1000 Genomes Project 0.00080.
gnomAD v4.1: 1,021 of 1,614,116 alleles (0.063%); highest among the groups gnomAD compares: Middle Eastern, 1.4%; 9 homozygotes.

Submissions (10):

Labcorp Genetics (formerly Invitae), Labcorp
Classification: Likely benign for Bethlem myopathy 1A. Last evaluated: 2026-02-02. Review status: criteria provided, single submitter. Criteria: Invitae Variant Classification Sherloc (09022015). Collection method: clinical testing. Allele origin: germline.

CeGaT Center for Human Genetics Tuebingen
Classification: Likely benign. Last evaluated: 2025-10-01. Review status: criteria provided, single submitter. Criteria: CeGaT Center For Human Genetics Tuebingen Variant Classification Criteria Version 2. Collection method: clinical testing. Allele origin: germline. Affected: yes. Observed: 8 variant alleles.
Comment: COL6A3: BS2

Blueprint Genetics
Classification: Likely benign. Last evaluated: 2024-11-14. Review status: criteria provided, single submitter. Criteria: ACMG Guidelines, 2015. Collection method: clinical testing. Allele origin: germline.

GeneDx
Classification: Likely benign. Last evaluated: 2019-04-16. Review status: criteria provided, single submitter. Criteria: GeneDx Variant Classification Process June 2021. Collection method: clinical testing. Allele origin: germline. Affected: yes.
Comment: This variant is associated with the following publications: (PMID: 26004199, 31862442)

Mayo Clinic Laboratories, Mayo Clinic
Classification: Benign. Last evaluated: 2018-04-03. Review status: criteria provided, single submitter. Criteria: ACMG Guidelines, 2015. Collection method: clinical testing. Allele origin: germline. Observed: 3 variant alleles.

Illumina Laboratory Services, Illumina
Classification: Benign for Collagen VI-related myopathy. Last evaluated: 2018-01-13. Review status: criteria provided, single submitter. Criteria: ICSL Variant Classification Criteria 13 December 2019. Collection method: clinical testing. Allele origin: germline.
Comment: This variant was observed in the ICSL laboratory as part of a predisposition screen in an ostensibly healthy population. It had not been previously curated by ICSL or reported in the Human Gene Mutation Database (HGMD: prior to June 1st, 2018), and was therefore a candidate for classification through an automated scoring system. Utilizing variant allele frequency, disease prevalence and penetrance estimates, and inheritance mode, an automated score was calculated to assess if this variant is too frequent to cause the disease. Based on the score and internal cut-off values, a variant classified as benign is not then subjected to further curation. The score for this variant resulted in a classification of benign for this disease.

Eurofins Ntd Llc (ga)
Classification: Likely benign. Last evaluated: 2015-11-05. Review status: criteria provided, single submitter. Criteria: EGL Classification Definitions 2015. Collection method: clinical testing. Allele origin: germline. Observed: 7 variant alleles, 7 heterozygotes.

PreventionGenetics, part of Exact Sciences
Classification: Likely benign for COL6A3-related condition. Last evaluated: 2023-08-07. Review status: no assertion criteria provided. Collection method: clinical testing. Allele origin: germline. Not counted in ClinVar's aggregate classification.
Comment: This variant is classified as likely benign based on ACMG/AMP sequence variant interpretation guidelines (Richards et al. 2015 PMID: 25741868, with internal and published modifications).

Clinical Genetics DNA and cytogenetics Diagnostics Lab, Erasmus MC, Erasmus Medical Center
Classification: Uncertain significance. Review status: no assertion criteria provided. Collection method: clinical testing. Allele origin: germline. Affected: yes. Study: VKGL Data-share Consensus. Not counted in ClinVar's aggregate classification.

Diagnostic Laboratory, Department of Genetics, University Medical Center Groningen
Classification: Uncertain significance. Review status: no assertion criteria provided. Collection method: clinical testing. Allele origin: germline. Affected: yes. Study: VKGL Data-share Consensus. Not counted in ClinVar's aggregate classification.